The following is an entry in ClinVar:

ClinVar aggregate classification (germline): Pathogenic. Review status: criteria provided, multiple submitters, no conflicts (2 of 4 stars). 3 submissions from 3 submitters: Pathogenic (3). Last evaluated 2026-03-26.

Conditions:
Familial cancer of breast. Also called: BREAST CANCER, FAMILIAL; Hereditary breast cancer; hereditary breast carcinoma. Identifiers: Orphanet 227535, MedGen C0346153, MONDO:0016419, OMIM 114480. Disease mechanism: loss of function.
Hereditary cancer-predisposing syndrome. Also called: Hereditary neoplastic syndrome; Neoplastic Syndromes, Hereditary; Tumor predisposition; Hereditary Cancer Syndrome. Identifiers: Orphanet 140162, MedGen C0027672, MeSH D009386, MONDO:0015356.
Fanconi anemia complementation group J. Also called: BRIP1-Related Fanconi Anemia. Identifiers: Orphanet 84, MedGen C1836860, MONDO:0012187, OMIM 609054.

Submissions (3):

Ambry Genetics
Classification: Pathogenic for Hereditary cancer-predisposing syndrome. Last evaluated: 2026-03-26. Review status: criteria provided, single submitter. Criteria: Ambry Variant Classification Scheme 2023. Collection method: clinical testing. Allele origin: germline.
Comment: The c.386dupC pathogenic mutation, located in coding exon 4 of the BRIP1 gene, results from a duplication of C at nucleotide position 386, causing a translational frameshift with a predicted alternate stop codon (p.E130*). This variant is considered to be rare based on population cohorts in the Genome Aggregation Database (gnomAD). This alteration is expected to result in loss of function by premature protein truncation or nonsense-mediated mRNA decay. As such, this alteration is interpreted as a disease-causing mutation.

Labcorp Genetics (formerly Invitae), Labcorp
Classification: Pathogenic for Familial cancer of breast; Fanconi anemia complementation group J. Last evaluated: 2023-04-03. Review status: criteria provided, single submitter. Criteria: Invitae Variant Classification Sherloc (09022015). Collection method: clinical testing. Allele origin: germline.
Comment: This variant is not present in population databases (gnomAD no frequency). For these reasons, this variant has been classified as Pathogenic. ClinVar contains an entry for this variant (Variation ID: 1074541). This variant has not been reported in the literature in individuals affected with BRIP1-related conditions. This sequence change creates a premature translational stop signal (p.Glu130*) in the BRIP1 gene. It is expected to result in an absent or disrupted protein product. Loss-of-function variants in BRIP1 are known to be pathogenic (PMID: 16116423, 17033622, 21964575).

Myriad Genetics, Inc.
Classification: Pathogenic for Familial cancer of breast. Last evaluated: 2023-04-03. Review status: criteria provided, single submitter. Criteria: Myriad Autosomal Dominant, Autosomal Recessive and X-Linked Classification Criteria (2023). Collection method: clinical testing. Allele origin: unknown.
Comment: This variant is considered pathogenic. This variant creates a termination codon and is predicted to result in premature protein truncation.

Literature cited by the submitters: PubMed 16116423 (cited by Labcorp Genetics (formerly Invitae), Labcorp); PubMed 17033622 (cited by Labcorp Genetics (formerly Invitae), Labcorp); PubMed 21964575 (cited by Labcorp Genetics (formerly Invitae), Labcorp).

NM_032043.3(BRIP1):c.386dup (p.Pro129_Glu130insTer)

Gene: BRIP1 (BRCA1 interacting DNA helicase 1; minus strand). Cytogenetic location: 17q23.2.
Variant type: Duplication.
Coding change: c.386dup on transcript NM_032043.3 (MANE Select); coding-DNA position 386, one base duplicated (C; older notation c.386dupC).
Protein change: p.Pro129_Glu130insTer.
Molecular consequence: frameshift variant.
Genome position (GRCh38, 1-based): chr17:61,849,250, G duplicated on the plus strand (C on the coding strand, the reverse complement: BRIP1 is on the minus strand); the first of 4 consecutive G bases (chr17:61,849,250-61,849,253); duplicating any one gives the same sequence. VCF-style (leftmost placement, unchanged base first): chr17-61849249-A-AG. GRCh37 (hg19) VCF-style: chr17-59926610-A-AG.
Other names: c.386dupC (NM_032043.2).
Identifiers: ClinVar variation 1074541 (VCV001074541.9), dbSNP rs876660080, ClinGen allele CA2499224817.
Genomic context (GRCh38, chr17:61,849,249, plus strand): 5'-ATCTCTGTATATGGATGCCTGTTTCTTAGCAGATAACTTTGCAGCCAGAGTGGTTTTTTC[A>AG]GGGGAGTCTTATATAAGTAATTTAAAAAAAACAGCATAAATAACTTACAGGTAGGCAATT-3'